The following is an entry in ClinVar:

ClinVar aggregate classification (germline): Likely benign (1 of 4 stars; one submission).

Allele frequency attached by ClinVar (database versions not stated): gnomAD exomes 0.00002 and 0.00011; gnomAD 0.00004 and 0.00005; TOPMed 0.00004; ExAC 0.00011.
gnomAD v4.1: 35 of 1,613,136 alleles (0.0022%); highest among the groups gnomAD compares: East Asian, 0.071%; no homozygotes.

Submission:

GeneDx
Classification: Likely benign. Last evaluated: 2017-02-02. Review status: criteria provided, single submitter. Criteria: GeneDx Variant Classification (06012015). Collection method: clinical testing. Allele origin: germline. Affected: yes.
Comment: This variant is considered likely benign or benign based on one or more of the following criteria: it is a conservative change, it occurs at a poorly conserved position in the protein, it is predicted to be benign by multiple in silico algorithms, and/or has population frequency not consistent with disease.

NM_133379.5(TTN):c.12413A>C (p.Gln4138Pro)

Gene: TTN (titin; minus strand). Cytogenetic location: 2q31.2.
Variant type: single nucleotide variant.
Coding change: c.12413A>C on transcript NM_133379.5; coding-DNA position 12413, A replaced by C.
Protein change: p.Gln4138Pro; replaces glutamine 4138 with proline.
Molecular consequence: missense variant. On other transcripts: intron variant (6).
Genome position (GRCh38, 1-based): chr2:178,749,987, T>G on the plus strand (A>C on the coding strand, the complement: TTN is on the minus strand). VCF-style: chr2-178749987-T-G. GRCh37 (hg19) VCF-style: chr2-179614714-T-G.
Other names: p.Q4138P:CAA>CCA; c.10222+3137A>C (NM_003319.4); c.10798+3137A>C (NM_133437.4); c.10597+3137A>C (NM_133432.3); c.10360+3137A>C (NM_133378.4, NM_001256850.1); c.11311+3137A>C (NM_001267550.2); short protein forms Q4138P.
Identifiers: ClinVar variation 203193 (VCV000203193.1), dbSNP rs781665805, ClinGen allele CA311638.